The following is an entry in ClinVar:

ClinVar aggregate classification (germline): Uncertain significance (1 of 4 stars; one submission).

Submission:

Labcorp Genetics (formerly Invitae), Labcorp
Classification: Uncertain significance. Last evaluated: 2025-07-02. Review status: criteria provided, single submitter. Criteria: Invitae Variant Classification Sherloc (09022015). Collection method: clinical testing. Allele origin: germline.
Comment: This sequence change replaces proline, which is neutral and non-polar, with glutamine, which is neutral and polar, at codon 204 of the TCIRG1 protein (p.Pro204Gln). This variant is not present in population databases (gnomAD no frequency). This variant has not been reported in the literature in individuals affected with TCIRG1-related conditions. Invitae Evidence Modeling of protein sequence and biophysical properties (such as structural, functional, and spatial information, amino acid conservation, physicochemical variation, residue mobility, and thermodynamic stability) indicates that this missense variant is not expected to disrupt TCIRG1 protein function with a negative predictive value of 80%. In summary, the available evidence is currently insufficient to determine the role of this variant in disease. Therefore, it has been classified as a Variant of Uncertain Significance.

NM_006019.4(TCIRG1):c.611C>A (p.Pro204Gln)

Gene: TCIRG1 (T cell immune regulator 1, ATPase H+ transporting V0 subunit a3; plus strand). Cytogenetic location: 11q13.2.
Variant type: single nucleotide variant.
Coding change: c.611C>A on transcript NM_006019.4 (MANE Select); coding-DNA position 611, C replaced by A.
Protein change: p.Pro204Gln; replaces proline 204 with glutamine.
Molecular consequence: missense variant. On other transcripts: 5 prime UTR variant (2), intron variant (7).
Genome position (GRCh38, 1-based): chr11:68,043,478, C>A. VCF-style: chr11-68043478-C-A. GRCh37 (hg19) VCF-style: chr11-67810945-C-A.
Other names: c.-300C>A (NM_001351059.2); c.611C>A, p.Pro204Gln (NM_001440552.1, NM_001440553.1, NM_001440554.1 and 4 more transcripts); c.569C>A, p.Pro190Gln (NM_001440555.1, NM_001440556.1, NM_001440563.1); c.311C>A, p.Pro104Gln (NM_001440565.1); c.-38C>A (NM_006053.4); c.503+447C>A (NM_001440569.1); c.418-93C>A (NM_001440561.1, NM_001440566.1, NM_001440562.1 and 1 more transcripts); c.376-93C>A (NM_001440564.1, NM_001440568.1); short protein forms P104Q, P190Q, P204Q.
Identifiers: ClinVar variation 4742611 (VCV004742611.1).